The following is an entry in ClinVar:

NM_018663.3(PXMP2):c.39G>C (p.Gly13=)

Genes: PXMP2 (peroxisomal membrane protein 2; plus strand), LOC130009266 (ATAC-STARR-seq lymphoblastoid silent region 5123; plus strand). Cytogenetic location: 12q24.33.
Variant type: single nucleotide variant.
Coding change: c.39G>C on transcript NM_018663.3 (MANE Select); coding-DNA position 39, G replaced by C.
Protein change: p.Gly13=; no amino-acid change (glycine 13 retained).
Molecular consequence: synonymous variant.
Genome position (GRCh38, 1-based): chr12:132,687,709, G>C. VCF-style: chr12-132687709-G-C. GRCh37 (hg19) VCF-style: chr12-133264295-G-C.
Identifiers: ClinVar variation 2643655 (VCV002643655.24), dbSNP rs539691585, ClinGen allele CA6894485.

ClinVar aggregate classification (germline): Likely benign (1 of 4 stars; one submission).

Allele frequency attached by ClinVar (database versions not stated): 1000 Genomes Project 30x 0.00047; 1000 Genomes Project 0.00020.
gnomAD v4.1: 3,224 of 1,201,864 alleles (0.27%); highest among the groups gnomAD compares: Non-Finnish European, 0.31%; 9 homozygotes.

Submission:

CeGaT Center for Human Genetics Tuebingen
Classification: Likely benign. Last evaluated: 2022-07-01. Review status: criteria provided, single submitter. Criteria: CeGaT Center For Human Genetics Tuebingen Variant Classification Criteria Version 2. Collection method: clinical testing. Allele origin: germline. Affected: yes. Observed: 1 variant allele.
Comment: PXMP2: BP4, BP7